The following is an entry in ClinVar:

ClinVar aggregate classification (germline): Uncertain significance. Review status: criteria provided, multiple submitters, no conflicts (2 of 4 stars). 2 submissions from 2 submitters: Uncertain significance (2). Last evaluated 2023-02-10.

Conditions:
Upshaw-Schulman syndrome (TTP). Also called: THROMBOTIC THROMBOCYTOPENIC PURPURA, HEREDITARY; Congenital thrombotic thrombocytopenic purpura. Identifiers: Orphanet 93583, MedGen C1268935, MONDO:0010122, OMIM 274150.

Submissions (2):

Blueprint Genetics
Classification: Uncertain significance. Last evaluated: 2023-02-10. Review status: criteria provided, single submitter. Criteria: ACMG Guidelines, 2015. Collection method: clinical testing. Allele origin: germline.

Neuberg Centre For Genomic Medicine, NCGM
Classification: Uncertain significance for Upshaw-Schulman syndrome. Review status: criteria provided, single submitter. Criteria: ACMG Guidelines, 2015. Collection method: clinical testing. Allele origin: germline. Inheritance: Autosomal recessive inheritance. Affected: yes.
Comment: The missense c.845T>A (p.Val282Glu) variant in the ADAMTS13 gene has not been reported previously as a pathogenic variant nor as a benign variant, to our knowledge. The variant is novel (not in any individuals) in gnomAD Exomes and 1000 Genomes. The amino acid Valine at position 282 is changed to a Glutamic acid changing protein sequence and it might alter its composition and physico-chemical properties. The variant is predicted as damaging by SIFT. The amino acid change p.Val282Glu in ADAMTS13 is predicted as conserved by GERP++ and PhyloP across 100 vertebrates. For these reasons, this variant has been classified as Uncertain Significance.

NM_139027.6(ADAMTS13):c.845T>A (p.Val282Glu)

Gene: ADAMTS13 (ADAM metallopeptidase with thrombospondin type 1 motif 13; plus strand). Cytogenetic location: 9q34.2.
Variant type: single nucleotide variant.
Coding change: c.845T>A on transcript NM_139027.6 (MANE Select); coding-DNA position 845, T replaced by A.
Protein change: p.Val282Glu; replaces valine 282 with glutamic acid.
Molecular consequence: missense variant. On other transcripts: intron variant (1).
Genome position (GRCh38, 1-based): chr9:133,429,959, T>A. VCF-style: chr9-133429959-T-A. GRCh37 (hg19) VCF-style: chr9-136295079-T-A.
Other names: c.845T>A, p.Val282Glu (NM_139025.5); c.825-73T>A (NM_139026.6); short protein forms V282E.
Identifiers: ClinVar variation 3061993 (VCV003061993.2), dbSNP rs2491124159, ClinGen allele CA375387384.